The following is an entry in ClinVar:

ClinVar aggregate classification (germline): Pathogenic (1 of 4 stars; one submission).

Conditions:
Primary ciliary dyskinesia 27. Also called: CILIARY DYSKINESIA, PRIMARY, 27, WITHOUT SITUS INVERSUS. Identifiers: Orphanet 244, MedGen C3809701, MONDO:0014215, OMIM 615504.

Allele frequency attached by ClinVar (database versions not stated): gnomAD 0.00001; gnomAD exomes 0.00001.
gnomAD v4.1: 9 of 1,613,970 alleles (0.00056%); highest among the groups gnomAD compares: South Asian, 0.0044%; no homozygotes.

Submission:

Labcorp Genetics (formerly Invitae), Labcorp
Classification: Pathogenic for Primary ciliary dyskinesia 27. Last evaluated: 2024-01-29. Review status: criteria provided, single submitter. Criteria: Invitae Variant Classification Sherloc (09022015). Collection method: clinical testing. Allele origin: germline.
Comment: This sequence change creates a premature translational stop signal (p.Arg240*) in the CCDC65 gene. It is expected to result in an absent or disrupted protein product. Loss-of-function variants in CCDC65 are known to be pathogenic (PMID: 23991085, 24094744). This variant is present in population databases (no rsID available, gnomAD 0.003%). This variant has not been reported in the literature in individuals affected with CCDC65-related conditions. ClinVar contains an entry for this variant (Variation ID: 644753). For these reasons, this variant has been classified as Pathogenic.

Literature cited by the submitters: PubMed 23991085; PubMed 24094744.

NM_033124.5(DRC2):c.718C>T (p.Arg240Ter)

Gene: DRC2 (dynein regulatory complex subunit 2; plus strand). Cytogenetic location: 12q13.12.
Variant type: single nucleotide variant.
Coding change: c.718C>T on transcript NM_033124.5 (MANE Select); coding-DNA position 718, C replaced by T.
Protein change: p.Arg240Ter; replaces arginine 240 with a stop codon.
Molecular consequence: nonsense.
Genome position (GRCh38, 1-based): chr12:48,918,383, C>T. VCF-style: chr12-48918383-C-T. GRCh37 (hg19) VCF-style: chr12-49312166-C-T.
Other names: c.289C>T, p.Arg97Ter (NM_001286957.2); short protein forms R240*, R97*.
Identifiers: ClinVar variation 644753 (VCV000644753.6), dbSNP rs1003676784, ClinGen allele CA384629684.